The following is an entry in ClinVar:

NM_000081.4(LYST):c.4325G>A (p.Ser1442Asn)

Gene: LYST (lysosomal trafficking regulator; minus strand). Cytogenetic location: 1q42.3.
Variant type: single nucleotide variant.
Coding change: c.4325G>A on transcript NM_000081.4 (MANE Select); coding-DNA position 4325, G replaced by A.
Protein change: p.Ser1442Asn; replaces serine 1442 with asparagine.
Molecular consequence: missense variant.
Genome position (GRCh38, 1-based): chr1:235,791,917, C>T on the plus strand (G>A on the coding strand, the complement: LYST is on the minus strand). VCF-style: chr1-235791917-C-T. GRCh37 (hg19) VCF-style: chr1-235955217-C-T.
Other names: c.4325G>A, p.Ser1442Asn (NM_001301365.1); short protein forms S1442N.
Identifiers: ClinVar variation 1050358 (VCV001050358.8), dbSNP rs1271144759, ClinGen allele CA344959899.

ClinVar aggregate classification (germline): Uncertain significance. Review status: criteria provided, multiple submitters, no conflicts (2 of 4 stars). 3 submissions from 3 submitters: Uncertain significance (2). 1 of the submissions does not count toward it. Last evaluated 2026-01-09.

Conditions:
Chédiak-Higashi syndrome (CHS). Also called: Chediak-Higashi Syndrome. Identifiers: Orphanet 167, MedGen C0007965, MONDO:0008963, OMIM 214500.

gnomAD v4.1: 4 of 1,613,968 alleles (0.00025%); highest among the groups gnomAD compares: Non-Finnish European, 0.00034%; no homozygotes.

Submissions (3):

Labcorp Genetics (formerly Invitae), Labcorp
Classification: Uncertain significance for Chédiak-Higashi syndrome. Last evaluated: 2026-01-09. Review status: criteria provided, single submitter. Criteria: Invitae Variant Classification Sherloc (09022015). Collection method: clinical testing. Allele origin: germline.
Comment: This sequence change replaces serine, which is neutral and polar, with asparagine, which is neutral and polar, at codon 1442 of the LYST protein (p.Ser1442Asn). This variant is not present in population databases (gnomAD no frequency). This variant has not been reported in the literature in individuals affected with LYST-related conditions. ClinVar contains an entry for this variant (Variation ID: 1050358). Invitae Evidence Modeling of protein sequence and biophysical properties (such as structural, functional, and spatial information, amino acid conservation, physicochemical variation, residue mobility, and thermodynamic stability) indicates that this missense variant is not expected to disrupt LYST protein function with a negative predictive value of 80%. In summary, the available evidence is currently insufficient to determine the role of this variant in disease. Therefore, it has been classified as a Variant of Uncertain Significance.

Blueprint Genetics
Classification: Uncertain significance. Last evaluated: 2022-08-04. Review status: criteria provided, single submitter. Criteria: ACMG Guidelines, 2015. Collection method: clinical testing. Allele origin: germline.

Department of Pathology and Laboratory Medicine, Sinai Health System
Classification: Uncertain significance. Review status: no assertion criteria provided. Collection method: clinical testing. Allele origin: unknown. Affected: yes. Study: The Canadian Open Genetics Repository (COGR). Not counted in ClinVar's aggregate classification.
Comment: The LYST p.Ser1442Asn variant was identified in dbSNP (ID: rs1271144759), however it was not identified in the literature, ClinVar, Cosmic or LOVD 3.0 databases. The variant was also not identified in the following control databases: the 1000 Genomes Project, the NHLBI GO Exome Sequencing Project, the Exome Aggregation Consortium (August 8th 2016), or the Genome Aggregation Database (Feb 27, 2017). The variant occurs outside of the splicing consensus sequence and in silico or computational prediction software programs (SpliceSiteFinder, MaxEntScan, NNSPLICE, GeneSplicer) do not predict a difference in splicing. The p.Ser1442 residue is not conserved in mammals or other organisms, and computational analyses (PolyPhen-2, SIFT, AlignGVGD, BLOSUM, MutationTaster) do not suggest a high likelihood of impact to the protein; however, this information is not predictive enough to rule out pathogenicity. In summary, based on the above information the clinical significance of this variant cannot be determined with certainty at this time. This variant is classified as a variant of uncertain significance.